The following is an entry in ClinVar:

NM_001042492.3(NF1):c.3713A>C (p.Glu1238Ala)

Gene: NF1 (neurofibromin 1; plus strand). Cytogenetic location: 17q11.2.
Variant type: single nucleotide variant.
Coding change: c.3713A>C on transcript NM_001042492.3 (MANE Select); coding-DNA position 3713, A replaced by C.
Protein change: p.Glu1238Ala; replaces glutamic acid 1238 with alanine.
Molecular consequence: missense variant.
Genome position (GRCh38, 1-based): chr17:31,235,615, A>C. VCF-style: chr17-31235615-A-C. GRCh37 (hg19) VCF-style: chr17-29562633-A-C.
Other names: c.3713A>C, p.Glu1238Ala (NM_000267.4); short protein forms E1238A.
Identifiers: ClinVar variation 1318599 (VCV001318599.2), dbSNP rs2151437710, ClinGen allele CA398992282.

ClinVar aggregate classification (germline): Uncertain significance (1 of 4 stars; one submission).

gnomAD v4.1: 1 of 1,614,052 alleles (0.000062%); highest among the groups gnomAD compares: Non-Finnish European, 0.000085%; no homozygotes.

Submission:

GeneDx
Classification: Uncertain significance. Last evaluated: 2023-02-14. Review status: criteria provided, single submitter. Criteria: GeneDx Variant Classification Process June 2021. Collection method: clinical testing. Allele origin: germline. Affected: yes.
Comment: Not observed at significant frequency in large population cohorts (gnomAD); In silico analysis supports that this missense variant has a deleterious effect on protein structure/function; Has not been previously published as pathogenic or benign to our knowledge; This variant is associated with the following publications: (PMID: 22807134, 25486365)